The following is an entry in ClinVar:

ClinVar aggregate classification (germline): Uncertain significance (1 of 4 stars; one submission).

Submission:

Laboratory for Molecular Medicine, Mass General Brigham Personalized Medicine
Classification: Uncertain significance. Last evaluated: 2012-08-16. Review status: criteria provided, single submitter. Criteria: LMM Criteria. Collection method: clinical testing. Allele origin: germline. Observed: 1 variant allele.
Comment: The Ile14615Phe variant in TTN has not been reported in the literature nor previ ously identified by our laboratory. Computational analyses (biochemical amino ac id properties, conservation, AlignGVGD, PolyPhen2, and SIFT) do not provide stro ng support for or against an impact to the protein. Additional information is ne eded to fully assess the clinical significance of this variant.

NM_001267550.2(TTN):c.51547A>T (p.Ile17183Phe)

Genes: TTN-AS1 (TTN antisense RNA 1; plus strand), TTN (titin; minus strand). Cytogenetic location: 2q31.2.
Variant type: single nucleotide variant.
Coding change: c.51547A>T on transcript NM_001267550.2 (MANE Select); coding-DNA position 51547, A replaced by T.
Protein change: p.Ile17183Phe; replaces isoleucine 17183 with phenylalanine.
Molecular consequence: missense variant.
Genome position (GRCh38, 1-based): chr2:178,609,876, T>A on the plus strand (A>T on the coding strand, the complement: TTN is on the minus strand). VCF-style: chr2-178609876-T-A. GRCh37 (hg19) VCF-style: chr2-179474603-T-A.
Other names: c.43843A>T, p.Ile14615Phe (NM_133378.4); c.46624A>T, p.Ile15542Phe (NM_001256850.1); c.24352A>T, p.Ile8118Phe (NM_003319.4); c.24727A>T, p.Ile8243Phe (NM_133432.3); c.24928A>T, p.Ile8310Phe (NM_133437.4); short protein forms I17183F, I14615F, I8118F, I8310F, I8243F, I15542F.
Identifiers: ClinVar variation 47055 (VCV000047055.5), dbSNP rs397517605, ClinGen allele CA139875.